The following is an entry in ClinVar:

ClinVar aggregate classification (germline): Uncertain significance (1 of 4 stars; one submission).

Conditions:
Episodic ataxia type 2 (EA2). Also called: ATAXIA, EPISODIC, WITH NYSTAGMUS; ATAXIA, FAMILIAL PAROXYSMAL; CEREBELLAR ATAXIA, PAROXYSMAL, ACETAZOLAMIDE-RESPONSIVE; CEREBELLOPATHY, HEREDITARY PAROXYSMAL; EPISODIC ATAXIA, NYSTAGMUS-ASSOCIATED; ACETAZOLAMIDE-RESPONSIVE HEREDITARY PAROXYSMAL CEREBELLAR ATAXIA. Identifiers: Orphanet 97, MedGen C1720416, MONDO:0007163, OMIM 108500.
Developmental and epileptic encephalopathy, 42 (DEE42A). Also called: Epileptic encephalopathy, early infantile, 42; DEVELOPMENTAL AND EPILEPTIC ENCEPHALOPATHY 42A; EPILEPTIC ENCEPHALOPATHY, EARLY INFANTILE, 42A. Identifiers: MedGen C4310716, MONDO:0014917, OMIM 617106.

gnomAD v4.1: 1 of 1,606,738 alleles (0.000062%); highest among the groups gnomAD compares: African/African-American, 0.0013%; no homozygotes.

Submission:

Labcorp Genetics (formerly Invitae), Labcorp
Classification: Uncertain significance for Developmental and epileptic encephalopathy, 42; Episodic ataxia type 2. Last evaluated: 2025-01-22. Review status: criteria provided, single submitter. Criteria: Invitae Variant Classification Sherloc (09022015). Collection method: clinical testing. Allele origin: germline.
Comment: This sequence change falls in intron 33 of the CACNA1A gene. It does not directly change the encoded amino acid sequence of the CACNA1A protein. It affects a nucleotide within the consensus splice site. This variant is not present in population databases (gnomAD no frequency). This variant has been observed in individual(s) with clinical features of CACNA1A-related conditions (internal data). ClinVar contains an entry for this variant (Variation ID: 1416521). Variants that disrupt the consensus splice site are a relatively common cause of aberrant splicing (PMID: 17576681, 9536098). Algorithms developed to predict the effect of sequence changes on RNA splicing suggest that this variant is not likely to affect RNA splicing. In summary, the available evidence is currently insufficient to determine the role of this variant in disease. Therefore, it has been classified as a Variant of Uncertain Significance.

Literature cited by the submitters: PubMed 17576681; PubMed 9536098.

NM_001127222.2(CACNA1A):c.5133+3G>C

Gene: CACNA1A (calcium voltage-gated channel subunit alpha1 A; minus strand). Cytogenetic location: 19p13.13.
Variant type: single nucleotide variant.
Coding change: c.5133+3G>C on transcript NM_001127222.2 (MANE Select); 3 bases into the intron after coding-DNA position 5133, G replaced by C.
Molecular consequence: intron variant.
Genome position (GRCh38, 1-based): chr19:13,235,206, C>G on the plus strand (G>C on the coding strand, the complement: CACNA1A is on the minus strand). VCF-style: chr19-13235206-C-G. GRCh37 (hg19) VCF-style: chr19-13346020-C-G.
Other names: c.5136+3G>C (NM_001127221.2); c.5142+3G>C (NM_001174080.2); c.5151+3G>C (NM_000068.4, NM_023035.3).
Identifiers: ClinVar variation 1416521 (VCV001416521.6), dbSNP rs1320790447, ClinGen allele CA993724431.
Genomic context (GRCh38, chr19:13,235,206, plus strand): 5'-CCCTTTCTAAGGGTGGCTGCCCTCCTTGGGAGGCTCTGGGAACCTTAGGGACACGACACT[C>G]ACCTGCATCCCAATGATGGCATAGATGAAGAAGAGCATGGCGATCAGCAGACAGACATAA-3'